The following is an entry in ClinVar:

ClinVar aggregate classification (germline): Pathogenic (1 of 4 stars; one submission).

Conditions:
Hereditary cancer-predisposing syndrome. Also called: Neoplastic Syndromes, Hereditary; Tumor predisposition; Hereditary Cancer Syndrome; Hereditary neoplastic syndrome. Identifiers: Orphanet 140162, MedGen C0027672, MeSH D009386, MONDO:0015356.

Submission:

Ambry Genetics
Classification: Pathogenic for Hereditary cancer-predisposing syndrome. Last evaluated: 2025-08-13. Review status: criteria provided, single submitter. Criteria: Ambry Variant Classification Scheme 2023. Collection method: clinical testing. Allele origin: germline.
Comment: The c.1176_1180dupAGGTA pathogenic mutation, located in coding exon 4 of the BARD1 gene, results from a duplication of AGGTA at nucleotide position 1176, causing a translational frameshift with a predicted alternate stop codon (p.T394Kfs*8). This variant is considered to be rare based on population cohorts in the Genome Aggregation Database (gnomAD). This alteration is expected to result in loss of function by premature protein truncation or nonsense-mediated mRNA decay. As such, this alteration is interpreted as a disease-causing mutation.

NM_000465.4(BARD1):c.1176_1180dup (p.Thr394fs)

Gene: BARD1 (BRCA1 associated RING domain 1; minus strand). Cytogenetic location: 2q35.
Variant type: Duplication.
Coding change: c.1176_1180dup on transcript NM_000465.4 (MANE Select); coding-DNA positions 1176 to 1180, 5 bases duplicated (AGGTA; older notation c.1176_1180dupAGGTA).
Protein change: p.Thr394fs; shifts the reading frame from threonine 394.
Molecular consequence: frameshift variant. On other transcripts: non-coding transcript variant (2), intron variant (3).
Genome position (GRCh38, 1-based): chr2:214,780,694-214,780,698, TACCT duplicated on the plus strand (AGGTA on the coding strand, the reverse complement: BARD1 is on the minus strand). VCF-style (leftmost placement, unchanged base first): chr2-214780693-G-GTACCT. GRCh37 (hg19) VCF-style: chr2-215645417-G-GTACCT.
Other names: c.1119_1123dup, p.Thr375fs (NM_001282543.2); c.159-28143_159-28139dup (NM_001282548.2); c.215+16363_215+16367dup (NM_001282545.2); c.364+11599_364+11603dup (NM_001282549.2); short protein forms T394fs, T375fs.
Identifiers: ClinVar variation 4196286 (VCV004196286.1).